The following is an entry in ClinVar:

NM_001267550.2(TTN):c.102802A>G (p.Thr34268Ala)

Genes: TTN (titin; minus strand), TTN-AS1 (TTN antisense RNA 1; plus strand). Cytogenetic location: 2q31.2.
Variant type: single nucleotide variant.
Coding change: c.102802A>G on transcript NM_001267550.2 (MANE Select); coding-DNA position 102802, A replaced by G.
Protein change: p.Thr34268Ala; replaces threonine 34268 with alanine.
Molecular consequence: missense variant.
Genome position (GRCh38, 1-based): chr2:178,533,813, T>C on the plus strand (A>G on the coding strand, the complement: TTN is on the minus strand). VCF-style: chr2-178533813-T-C. GRCh37 (hg19) VCF-style: chr2-179398540-T-C.
Other names: c.97879A>G, p.Thr32627Ala (NM_001256850.1); c.75607A>G, p.Thr25203Ala (NM_003319.4); c.95098A>G, p.Thr31700Ala (NM_133378.4); c.75982A>G, p.Thr25328Ala (NM_133432.3); c.76183A>G, p.Thr25395Ala (NM_133437.4); short protein forms T31700A, T32627A, T34268A, T25203A, T25328A, T25395A.
Identifiers: ClinVar variation 4791072 (VCV004791072.1).

ClinVar aggregate classification (germline): Uncertain significance (1 of 4 stars; one submission).

Conditions:
Autosomal recessive limb-girdle muscular dystrophy type 2J (LGMDR10). Also called: Limb-girdle muscular dystrophy, type 2J; MUSCULAR DYSTROPHY, LIMB-GIRDLE, AUTOSOMAL RECESSIVE 10. Identifiers: Orphanet 140922, MedGen C1837342, MONDO:0012127, OMIM 608807.
Dilated cardiomyopathy 1G (CMD1G). Identifiers: Orphanet 154, MedGen C1858763, MONDO:0011400, OMIM 604145.

Submission:

Labcorp Genetics (formerly Invitae), Labcorp
Classification: Uncertain significance for Dilated cardiomyopathy 1G; Autosomal recessive limb-girdle muscular dystrophy type 2J. Last evaluated: 2025-06-29. Review status: criteria provided, single submitter. Criteria: Invitae Variant Classification Sherloc (09022015). Collection method: clinical testing. Allele origin: germline.
Comment: This sequence change replaces threonine, which is neutral and polar, with alanine, which is neutral and non-polar, at codon 34268 of the TTN protein (p.Thr34268Ala). This variant is not present in population databases (gnomAD no frequency). This variant has not been reported in the literature in individuals affected with TTN-related conditions. This variant is located in the M band of TTN (PMID: 25589632). Non-truncating variants in this region may be relevant for neuromuscular disorders, but have not been definitively shown to cause cardiomyopathy (PMID: 23975875). In summary, the available evidence is currently insufficient to determine the role of this variant in disease. Therefore, it has been classified as a Variant of Uncertain Significance.

Literature cited by the submitters: PubMed 25589632; PubMed 23975875.